The following is an entry in ClinVar:

ClinVar aggregate classification (germline): Pathogenic. Review status: criteria provided, single submitter (1 of 4 stars). 2 submissions from 2 submitters: Pathogenic (1). 1 of the submissions does not count toward it. Last evaluated 2021-12-26.

Conditions:
Familial long QT syndrome (RWS). Also called: Congenital long QT syndrome; Romano-Ward syndrome; VENTRICULAR FIBRILLATION WITH PROLONGED QT INTERVAL. Identifiers: Orphanet 768, MedGen C1141890, MONDO:0019171.
Long QT syndrome (LQTS). Identifiers: MedGen C0023976, MeSH D008133, MONDO:0002442. Disease mechanism: loss of function. Inheritance: Various modes of inheritance.

Submissions (2):

Labcorp Genetics (formerly Invitae), Labcorp
Classification: Pathogenic for Long QT syndrome. Last evaluated: 2021-12-26. Review status: criteria provided, single submitter. Criteria: Invitae Variant Classification Sherloc (09022015). Collection method: clinical testing. Allele origin: germline.
Comment: This sequence change replaces methionine, which is neutral and non-polar, with arginine, which is basic and polar, at codon 124 of the KCNH2 protein (p.Met124Arg). For these reasons, this variant has been classified as Pathogenic. Algorithms developed to predict the effect of sequence changes on RNA splicing suggest that this variant may create or strengthen a splice site. Experimental studies have shown that this missense change affects KCNH2 function (PMID: 16029385). Algorithms developed to predict the effect of missense changes on protein structure and function (SIFT, PolyPhen-2, Align-GVGD) all suggest that this variant is likely to be tolerated. ClinVar contains an entry for this variant (Variation ID: 67501). This missense change has been observed in individual(s) with long QT syndrome (PMID: 11854117, 16029385). It has also been observed to segregate with disease in related individuals. This variant is not present in population databases (gnomAD no frequency).

Cardiovascular Biomedical Research Unit, Royal Brompton & Harefield NHS Foundation Trust
No classification provided. Condition: Familial long QT syndrome. Review status: no classification provided. Collection method: literature only. Allele origin: germline. Not counted in ClinVar's aggregate classification.
Comment: This variant has been reported as associated with Long QT syndrome in the following publications (PMID:11854117;PMID:16029385;PMID:21536673). This is a literature report, and does not necessarily reflect the clinical interpretation of the Imperial College / Royal Brompton Cardiovascular Genetics laboratory.

Literature cited by the submitters: PubMed 16029385 (cited by Labcorp Genetics (formerly Invitae), Labcorp and Cardiovascular Biomedical Research Unit, Royal Brompton & Harefield NHS Foundation Trust); PubMed 11854117 (cited by Labcorp Genetics (formerly Invitae), Labcorp and Cardiovascular Biomedical Research Unit, Royal Brompton & Harefield NHS Foundation Trust); PubMed 21536673 (cited by Cardiovascular Biomedical Research Unit, Royal Brompton & Harefield NHS Foundation Trust); PubMed 22581653 (cited by Cardiovascular Biomedical Research Unit, Royal Brompton & Harefield NHS Foundation Trust).

NM_000238.4(KCNH2):c.371T>G (p.Met124Arg)

Gene: KCNH2 (potassium voltage-gated channel subfamily H member 2; minus strand). Cytogenetic location: 7q36.1.
Variant type: single nucleotide variant.
Coding change: c.371T>G on transcript NM_000238.4 (MANE Select); coding-DNA position 371, T replaced by G.
Protein change: p.Met124Arg; replaces methionine 124 with arginine.
Molecular consequence: missense variant.
Genome position (GRCh38, 1-based): chr7:150,959,673, A>C on the plus strand (T>G on the coding strand, the complement: KCNH2 is on the minus strand). VCF-style: chr7-150959673-A-C. GRCh37 (hg19) VCF-style: chr7-150656761-A-C.
Other names: c.371T>G (LRG_288t1); c.83T>G, p.Met28Arg (NM_001406753.1, NM_001406756.1); c.194T>G, p.Met65Arg (NM_001406755.1); c.71T>G, p.Met24Arg (NM_001406757.1); c.371T>G, p.Met124Arg (NM_172056.3); short protein forms M124R, M65R, M24R, M28R.
Identifiers: ClinVar variation 67501 (VCV000067501.7), dbSNP rs199472862, ClinGen allele CA008369.